The following is an entry in ClinVar:

NM_001142864.4(PIEZO1):c.2685C>T (p.Asn895=)

Genes: PIEZO1 (piezo type mechanosensitive ion channel component 1 (Er blood group); minus strand), HSALR1 (HSP90AB1 associated lncRNA 1; plus strand). Cytogenetic location: 16q24.3.
Variant type: single nucleotide variant.
Coding change: c.2685C>T on transcript NM_001142864.4 (MANE Select); coding-DNA position 2685, C replaced by T.
Protein change: p.Asn895=; no amino-acid change (asparagine 895 retained).
Molecular consequence: synonymous variant.
Genome position (GRCh38, 1-based): chr16:88,732,712, G>A on the plus strand (C>T on the coding strand, the complement: PIEZO1 is on the minus strand). VCF-style: chr16-88732712-G-A. GRCh37 (hg19) VCF-style: chr16-88799120-G-A.
Identifiers: ClinVar variation 713205 (VCV000713205.15), dbSNP rs533555270, ClinGen allele CA8232725.

ClinVar aggregate classification (germline): Benign/Likely benign. Review status: criteria provided, multiple submitters, no conflicts (2 of 4 stars). 5 submissions from 5 submitters: Benign (1); Likely benign (4). Last evaluated 2026-05-20.

Conditions:
PIEZO1-related disorder. Also called: PIEZO1-Related Disorders; PIEZO1-related condition.

Allele frequency attached by ClinVar (database versions not stated): gnomAD exomes 0.00016; ExAC 0.00041; 1000 Genomes Project 0.00060; 1000 Genomes Project 30x 0.00062; gnomAD 0.00064 and 0.00069; TOPMed 0.00082.
gnomAD v4.1: 180 of 1,548,072 alleles (0.012%); highest among the groups gnomAD compares: African/African-American, 0.22%; no homozygotes.

Submissions (5):

Women's Health and Genetics/Laboratory Corporation of America, LabCorp
Classification: Likely benign. Last evaluated: 2026-05-20. Review status: criteria provided, single submitter. Criteria: LabCorp Variant Classification Summary - May 2015. Collection method: clinical testing. Allele origin: germline.

Labcorp Genetics (formerly Invitae), Labcorp
Classification: Benign. Last evaluated: 2025-09-17. Review status: criteria provided, single submitter. Criteria: Invitae Variant Classification Sherloc (09022015). Collection method: clinical testing. Allele origin: germline.

PreventionGenetics, part of Exact Sciences
Classification: Likely benign for PIEZO1-related condition. Last evaluated: 2024-10-17. Review status: criteria provided, single submitter. Criteria: ACMG Guidelines, 2015. Collection method: clinical testing. Allele origin: germline.
Comment: This variant is classified as likely benign based on ACMG/AMP sequence variant interpretation guidelines (Richards et al. 2015 PMID: 25741868, with internal and published modifications).

Blueprint Genetics
Classification: Likely benign. Last evaluated: 2022-10-14. Review status: criteria provided, single submitter. Criteria: ACMG Guidelines, 2015. Collection method: clinical testing. Allele origin: germline.

ARUP Laboratories, Molecular Genetics and Genomics, ARUP Laboratories
Classification: Likely benign. Last evaluated: 2021-06-15. Review status: criteria provided, single submitter. Criteria: ARUP Molecular Germline Variant Investigation Process 2021. Collection method: clinical testing. Allele origin: germline.